The following is an entry in ClinVar:

ClinVar aggregate classification (germline): Uncertain significance (1 of 4 stars; one submission).

Submission:

Labcorp Genetics (formerly Invitae), Labcorp
Classification: Uncertain significance. Last evaluated: 2022-07-04. Review status: criteria provided, single submitter. Criteria: Invitae Variant Classification Sherloc (09022015). Collection method: clinical testing. Allele origin: germline.
Comment: In summary, the available evidence is currently insufficient to determine the role of this variant in disease. Therefore, it has been classified as a Variant of Uncertain Significance. Algorithms developed to predict the effect of missense changes on protein structure and function are either unavailable or do not agree on the potential impact of this missense change (SIFT: "Deleterious"; PolyPhen-2: "Probably Damaging"; Align-GVGD: "Class C0"). This variant has not been reported in the literature in individuals affected with SPEG-related conditions. This variant is not present in population databases (gnomAD no frequency). This sequence change replaces glycine, which is neutral and non-polar, with aspartic acid, which is acidic and polar, at codon 774 of the SPEG protein (p.Gly774Asp).

NM_005876.5(SPEG):c.2321G>A (p.Gly774Asp)

Gene: SPEG (striated muscle enriched protein kinase; plus strand). Cytogenetic location: 2q35.
Variant type: single nucleotide variant.
Coding change: c.2321G>A on transcript NM_005876.5 (MANE Select); coding-DNA position 2321, G replaced by A.
Protein change: p.Gly774Asp; replaces glycine 774 with aspartic acid.
Molecular consequence: missense variant.
Genome position (GRCh38, 1-based): chr2:219,451,688, G>A. VCF-style: chr2-219451688-G-A. GRCh37 (hg19) VCF-style: chr2-220316410-G-A.
Other names: short protein forms G774D.
Identifiers: ClinVar variation 2090983 (VCV002090983.4), dbSNP rs2545510164, ClinGen allele CA350730640.